The following is an entry in ClinVar:

ClinVar aggregate classification (germline): Likely benign (1 of 4 stars; one submission).

Submission:

CeGaT Center for Human Genetics Tuebingen
Classification: Likely benign. Last evaluated: 2022-06-01. Review status: criteria provided, single submitter. Criteria: CeGaT Center For Human Genetics Tuebingen Variant Classification Criteria Version 2. Collection method: clinical testing. Allele origin: germline. Affected: yes. Observed: 1 variant allele.
Comment: MRPS7: PM2:Supporting, BP4, BP7

NM_015971.4(MRPS7):c.699C>T (p.Asn233=)

Gene: MRPS7 (mitochondrial ribosomal protein S7; plus strand). Cytogenetic location: 17q25.1.
Variant type: single nucleotide variant.
Coding change: c.699C>T on transcript NM_015971.4 (MANE Select); coding-DNA position 699, C replaced by T.
Protein change: p.Asn233=; no amino-acid change (asparagine 233 retained).
Molecular consequence: synonymous variant.
Genome position (GRCh38, 1-based): chr17:75,265,893, C>T. VCF-style: chr17-75265893-C-T. GRCh37 (hg19) VCF-style: chr17-73261974-C-T.
Identifiers: ClinVar variation 2648251 (VCV002648251.24), dbSNP rs2545059350, ClinGen allele CA501799662.